The following is an entry in ClinVar:

NM_004369.4(COL6A3):c.4880C>A (p.Thr1627Asn)

Gene: COL6A3 (collagen type VI alpha 3 chain; minus strand). Cytogenetic location: 2q37.3.
Variant type: single nucleotide variant.
Coding change: c.4880C>A on transcript NM_004369.4 (MANE Select); coding-DNA position 4880, C replaced by A.
Protein change: p.Thr1627Asn; replaces threonine 1627 with asparagine.
Molecular consequence: missense variant.
Genome position (GRCh38, 1-based): chr2:237,368,583, G>T on the plus strand (C>A on the coding strand, the complement: COL6A3 is on the minus strand). VCF-style: chr2-237368583-G-T. GRCh37 (hg19) VCF-style: chr2-238277226-G-T.
Other names: c.4880C>A (NM_004369.3); c.3059C>A, p.Thr1020Asn (NM_057166.5); c.4262C>A, p.Thr1421Asn (NM_057167.4); short protein forms T1627N, T1421N, T1020N.
Identifiers: ClinVar variation 1386316 (VCV001386316.11), dbSNP rs149261556, ClinGen allele CA2188794.

ClinVar aggregate classification (germline): Conflicting classifications of pathogenicity. Review status: criteria provided, conflicting classifications (1 of 4 stars). 3 submissions from 3 submitters: Uncertain significance (2); Likely benign (1). Last evaluated 2023-10-03.

Conditions:
Bethlem myopathy 1A. Also called: Bethlem myopathy 1; Bethlem Muscular Dystrophy; MYOPATHY, BENIGN CONGENITAL, WITH CONTRACTURES. Identifiers: Orphanet 610, MedGen CN029274, MONDO:0024530, OMIM 158810.

Allele frequency attached by ClinVar (database versions not stated): ESP Exome Variant Server 0.00008; 1000 Genomes Project 30x 0.00016; 1000 Genomes Project 0.00020; gnomAD exomes below 0.00001; gnomAD 0.00001.
gnomAD v4.1: 7 of 1,614,152 alleles (0.00043%); highest among the groups gnomAD compares: Middle Eastern, 0.016%; no homozygotes.

Submissions (3):

Labcorp Genetics (formerly Invitae), Labcorp
Classification: Likely benign for Bethlem myopathy 1A. Last evaluated: 2023-10-03. Review status: criteria provided, single submitter. Criteria: Invitae Variant Classification Sherloc (09022015). Collection method: clinical testing. Allele origin: germline.

GeneDx
Classification: Uncertain significance. Last evaluated: 2023-01-09. Review status: criteria provided, single submitter. Criteria: GeneDx Variant Classification Process June 2021. Collection method: clinical testing. Allele origin: germline. Affected: yes.
Comment: In silico analysis supports that this missense variant does not alter protein structure/function; Has not been previously published as pathogenic or benign to our knowledge

Revvity Omics, Revvity
Classification: Uncertain significance. Last evaluated: 2019-05-09. Review status: criteria provided, single submitter. Criteria: ACMG Guidelines, 2015. Collection method: clinical testing. Allele origin: germline.